The following is an entry in ClinVar:

ClinVar aggregate classification (germline): Uncertain significance (1 of 4 stars; one submission).

Conditions:
Congenital myasthenic syndrome 2A. Also called: Myasthenic syndrome, congenital, 2a, slow-channel. Identifiers: Orphanet 590, MedGen C4225374, MONDO:0014581, OMIM 616313.

Submission:

Labcorp Genetics (formerly Invitae), Labcorp
Classification: Uncertain significance for Congenital myasthenic syndrome 2A. Last evaluated: 2017-10-04. Review status: criteria provided, single submitter. Criteria: Invitae Variant Classification Sherloc (09022015). Collection method: clinical testing. Allele origin: germline.
Comment: This sequence change falls in intron 2 of the CHRNB1 gene. It does not directly change the encoded amino acid sequence of the CHRNB1 protein, but it affects a nucleotide within the consensus splice site of the intron. This variant is not present in population databases (ExAC no frequency) and has not been reported in the literature in individuals with a CHRNB1-related disease. Nucleotide substitutions within the consensus splice site are relatively common causes of aberrant splicing (PMID: 17576681, 9536098). Algorithms developed to predict the effect of nucleotide changes on RNA splicing suggest that this variant may alter RNA splicing, but this prediction has not been confirmed by published transcriptional studies. In summary, this is a novel intronic change with uncertain impact on splicing. It has been classified as a Variant of Uncertain Significance.

NM_000747.3(CHRNB1):c.198+3G>T

Gene: CHRNB1 (cholinergic receptor nicotinic beta 1 subunit; plus strand). Cytogenetic location: 17p13.1.
Variant type: single nucleotide variant.
Coding change: c.198+3G>T on transcript NM_000747.3 (MANE Select); 3 bases into the intron after coding-DNA position 198, G replaced by T.
Molecular consequence: intron variant.
Genome position (GRCh38, 1-based): chr17:7,445,412, G>T. VCF-style: chr17-7445412-G-T. GRCh37 (hg19) VCF-style: chr17-7348731-G-T.
Identifiers: ClinVar variation 476150 (VCV000476150.1), dbSNP rs1555551725, ClinGen allele CA497741149.
Genomic context (GRCh38, chr17:7,445,412, plus strand): 5'-GGTGGGAGACCGTGTCAGGGTCAGCGTTGGTCTCATCCTGGCGCAACTCATCAGCCTGGT[G>T]AGGGCGCGCGGGGGGTGGAGGTCAGGCCAGCCGACCGGCCGGGGGCGTGGCTTTAGGCAA-3'